The following is an entry in ClinVar:

ClinVar aggregate classification (germline): Uncertain significance (1 of 4 stars; one submission).

Conditions:
Early-onset Lafora body disease. Also called: Epilepsy, progressive myoclonic, 10. Identifiers: Orphanet 324290, MedGen C4225258, MONDO:0014717, OMIM 616640.

Submission:

Labcorp Genetics (formerly Invitae), Labcorp
Classification: Uncertain significance for Early-onset Lafora body disease. Last evaluated: 2021-04-09. Review status: criteria provided, single submitter. Criteria: Invitae Variant Classification Sherloc (09022015). Collection method: clinical testing. Allele origin: germline.
Comment: This variant has not been reported in the literature in individuals with PRDM8-related conditions. This variant is present in population databases (rs763199170, ExAC 0.03%). This variant, c.865_870del, results in the deletion of 2 amino acid(s) of the PRDM8 protein (p.Ser289_Gly290del), but otherwise preserves the integrity of the reading frame. In summary, the available evidence is currently insufficient to determine the role of this variant in disease. Therefore, it has been classified as a Variant of Uncertain Significance. Experimental studies and prediction algorithms are not available or were not evaluated, and the functional significance of this variant is currently unknown.

NM_001099403.2(PRDM8):c.859AGCGGC[1] (p.285SG[2])

Gene: PRDM8 (PR/SET domain 8; plus strand). Cytogenetic location: 4q21.21.
Variant type: Microsatellite.
Coding change: c.859AGCGGC[1] on transcript NM_001099403.2 (MANE Select); one copy of the 6-base unit AGCGGC starting at c.859; the reference has two copies in a row; one copy, 6 bases deleted.
Protein change: p.285SG[2].
Molecular consequence: inframe deletion.
Genome position (GRCh38, 1-based): chr4:80,202,327-80,202,332, AGCGGC deleted; deleting any 6 consecutive bases within chr4:80,202,321-80,202,332 gives the same sequence; the position shown is the placement nearest the transcript's 3' end. VCF-style (leftmost placement, unchanged base first): chr4-80202320-TAGCGGC-T. GRCh37 (hg19) VCF-style: chr4-81123474-TAGCGGC-T.
Other names: c.859AGCGGC[1], p.285SG[2] (NM_020226.4).
Identifiers: ClinVar variation 1414646 (VCV001414646.8), dbSNP rs763199170, ClinGen allele CA2982338.